The following is an entry in ClinVar:

NM_014832.5(TBC1D4):c.3356T>C (p.Val1119Ala)

Gene: TBC1D4 (TBC1 domain family member 4; minus strand). Cytogenetic location: 13q22.2.
Variant type: single nucleotide variant.
Coding change: c.3356T>C on transcript NM_014832.5 (MANE Select); coding-DNA position 3356, T replaced by C.
Protein change: p.Val1119Ala; replaces valine 1119 with alanine.
Molecular consequence: missense variant.
Genome position (GRCh38, 1-based): chr13:75,292,232, A>G on the plus strand (T>C on the coding strand, the complement: TBC1D4 is on the minus strand). VCF-style: chr13-75292232-A-G. GRCh37 (hg19) VCF-style: chr13-75866368-A-G.
Other names: c.3332T>C, p.Val1111Ala (NM_001286658.2); c.3167T>C, p.Val1056Ala (NM_001286659.2); short protein forms V1119A, V1111A, V1056A.
Identifiers: ClinVar variation 130544 (VCV000130544.11), dbSNP rs58232698, ClinGen allele CA214706.

ClinVar aggregate classification (germline): Benign. Review status: criteria provided, multiple submitters, no conflicts (2 of 4 stars). 4 submissions from 4 submitters: Benign (2). 2 of the submissions do not count toward it. Last evaluated 2018-07-31.

Conditions:
TBC1D4-related disorder. Also called: TBC1D4-related condition.

Allele frequency attached by ClinVar (database versions not stated): gnomAD exomes 0.00047 and 0.00137; ExAC 0.00165; ESP Exome Variant Server 0.00491; gnomAD 0.00544 and 0.00578; TOPMed 0.00611; 1000 Genomes Project 0.00699; 1000 Genomes Project 30x 0.00734.
gnomAD v4.1: 1,555 of 1,613,178 alleles (0.096%); highest among the groups gnomAD compares: African/African-American, 1.8%; 10 homozygotes.

Submissions (4):

Labcorp Genetics (formerly Invitae), Labcorp
Classification: Benign. Last evaluated: 2018-07-31. Review status: criteria provided, single submitter. Criteria: Invitae Variant Classification Sherloc (09022015). Collection method: clinical testing. Allele origin: germline.

Breakthrough Genomics
Classification: Benign. Review status: criteria provided, single submitter. Criteria: ACMG Guidelines, 2015. Collection method: not provided. Allele origin: germline. Inheritance: Unknown mechanism. Affected: yes.

PreventionGenetics, part of Exact Sciences
Classification: Benign for TBC1D4-related condition. Last evaluated: 2024-06-11. Review status: no assertion criteria provided. Collection method: clinical testing. Allele origin: germline. Not counted in ClinVar's aggregate classification.
Comment: This variant is classified as benign based on ACMG/AMP sequence variant interpretation guidelines (Richards et al. 2015 PMID: 25741868, with internal and published modifications).

Genetic Services Laboratory, University of Chicago
Classification: Likely benign for AllHighlyPenetrant. Review status: no assertion criteria provided. Collection method: clinical testing. Allele origin: germline. Inheritance: Autosomal dominant inheritance. Not counted in ClinVar's aggregate classification.
Comment: Likely benign based on allele frequency in 1000 Genomes Project or ESP global frequency and its presence in a patient with a rare or unrelated disease phenotype. NOT Sanger confirmed.